The following is an entry in ClinVar:

NM_018418.5(SPATA7):c.253C>G (p.Arg85Gly)

Gene: SPATA7 (spermatogenesis associated 7; plus strand). Cytogenetic location: 14q31.3.
Variant type: single nucleotide variant.
Coding change: c.253C>G on transcript NM_018418.5 (MANE Select); coding-DNA position 253, C replaced by G.
Protein change: p.Arg85Gly; replaces arginine 85 with glycine.
Molecular consequence: missense variant.
Genome position (GRCh38, 1-based): chr14:88,416,725, C>G. VCF-style: chr14-88416725-C-G. GRCh37 (hg19) VCF-style: chr14-88883069-C-G.
Other names: c.157C>G, p.Arg53Gly (NM_001040428.4); short protein forms R53G, R85G.
Identifiers: ClinVar variation 1014980 (VCV001014980.8), dbSNP rs140287375, ClinGen allele CA7298476.

ClinVar aggregate classification (germline): Uncertain significance (1 of 4 stars; one submission).

Conditions:
Leber congenital amaurosis 3 (LCA3). Also called: SPATA7-Related Retinitis Pigmentosa. Identifiers: MedGen C1858677, MONDO:0011415, OMIM 604232.

gnomAD v4.1: 8 of 1,612,928 alleles (0.0005%); highest among the groups gnomAD compares: Admixed American, 0.013%; no homozygotes.

Submission:

Labcorp Genetics (formerly Invitae), Labcorp
Classification: Uncertain significance for Leber congenital amaurosis 3. Last evaluated: 2022-07-09. Review status: criteria provided, single submitter. Criteria: Invitae Variant Classification Sherloc (09022015). Collection method: clinical testing. Allele origin: germline.
Comment: ClinVar contains an entry for this variant (Variation ID: 1014980). Algorithms developed to predict the effect of missense changes on protein structure and function are either unavailable or do not agree on the potential impact of this missense change (SIFT: "Deleterious"; PolyPhen-2: "Probably Damaging"; Align-GVGD: "Class C0"). In summary, the available evidence is currently insufficient to determine the role of this variant in disease. Therefore, it has been classified as a Variant of Uncertain Significance. This variant has not been reported in the literature in individuals affected with SPATA7-related conditions. This sequence change replaces arginine, which is basic and polar, with glycine, which is neutral and non-polar, at codon 85 of the SPATA7 protein (p.Arg85Gly). This variant is present in population databases (rs140287375, gnomAD 0.01%).